The following is an entry in ClinVar:

ClinVar aggregate classification (germline): Uncertain significance (1 of 4 stars; one submission).

Conditions:
Shukla-Vernon syndrome. Identifiers: MedGen C5193146, MONDO:0026727, OMIM 301029.

Submission:

University of Washington Department of Laboratory Medicine, University of Washington
Classification: Uncertain significance for Shukla-Vernon syndrome. Last evaluated: 2022-11-02. Review status: criteria provided, single submitter. Criteria: ACMG Guidelines, 2015. Collection method: clinical testing. Allele origin: maternal. Affected: yes.
Comment: The p.Glu1324del variant in the BCORL1 gene has not been previously reported in association with disease. This variant results in an in-frame deletion of one glutamine residue in a glutamine repeat region. The p.Glu1324del variant has been identified in 1/180635 chromosomes by the Genome Aggregation Database, in an individual with an XX chromosomal complement. Using ACMG guidelines, this variant was classified as a variant of uncertain significance (ACMG evidence codes used: PP1, PM2_supporting).

NM_001379451.1(BCORL1):c.3965AGG[2] (p.Glu1324del)

Gene: BCORL1 (BCL6 corepressor like 1; plus strand). Cytogenetic location: Xq26.1.
Variant type: Microsatellite.
Coding change: c.3965AGG[2] on transcript NM_001379451.1 (MANE Select); two copies in a row of the 3-base unit AGG starting at c.3965; the reference has three copies in a row; one copy, 3 bases deleted.
Protein change: p.Glu1324del; deletes glutamic acid 1324.
Molecular consequence: inframe indel (on NM_001184772.2).
Genome position (GRCh38, 1-based): chrX:130,025,272-130,025,274, AGG deleted; deleting any 3 consecutive bases within chrX:130,025,265-130,025,274 gives the same sequence; the position shown is the placement nearest the transcript's 3' end. VCF-style (leftmost placement, unchanged base first): chrX-130025264-AGAG-A. GRCh37 (hg19) VCF-style: chrX-129159239-AGAG-A.
Other names: c.3965_3967AGG[2], p.Glu1324del (NM_001184772.2); c.3965AGG[2], p.Glu1324del (NM_001184772.3, NM_001379450.1, NM_021946.5); c.3971_3973del (NM_001184772.2); short protein forms E1324del.
Identifiers: ClinVar variation 3777190 (VCV003777190.1).
Genomic context (GRCh38, chrX:130,025,264, plus strand): 5'-GCCCTGGAGGACAGAGGCTGCCCGGCAAATGTGGGACACCAATGAGGAGGAGGAGGAAGA[AGAG>A]GAGGAGGGCCTGCTGAAGAGGAAGAAACGAAGACGGCAGAAGAGCCGAAAATATCAGACT-3'